The following is an entry in ClinVar:

ClinVar aggregate classification (germline): Uncertain significance. Review status: criteria provided, multiple submitters, no conflicts (2 of 4 stars). 2 submissions from 2 submitters: Uncertain significance (2). Last evaluated 2025-11-24.

Conditions:
Inborn genetic diseases. Identifiers: MedGen C0950123, MeSH D030342.

Allele frequency attached by ClinVar (database versions not stated): TOPMed below 0.00001; ExAC 0.00003; gnomAD exomes 0.00002.
gnomAD v4.1: 28 of 1,614,212 alleles (0.0017%); highest among the groups gnomAD compares: South Asian, 0.03%; no homozygotes.

Submissions (2):

Ambry Genetics
Classification: Uncertain significance for Inborn genetic diseases. Last evaluated: 2025-11-24. Review status: criteria provided, single submitter. Criteria: Ambry Variant Classification Scheme 2023. Collection method: clinical testing. Allele origin: germline.

Labcorp Genetics (formerly Invitae), Labcorp
Classification: Uncertain significance. Last evaluated: 2022-03-11. Review status: criteria provided, single submitter. Criteria: Invitae Variant Classification Sherloc (09022015). Collection method: clinical testing. Allele origin: germline.
Comment: In summary, the available evidence is currently insufficient to determine the role of this variant in disease. Therefore, it has been classified as a Variant of Uncertain Significance. Algorithms developed to predict the effect of missense changes on protein structure and function output the following: SIFT: "Tolerated"; PolyPhen-2: "Benign"; Align-GVGD: "Class C0". The leucine amino acid residue is found in multiple mammalian species, which suggests that this missense change does not adversely affect protein function. This variant has not been reported in the literature in individuals affected with PIGP-related conditions. This variant is present in population databases (rs779927383, gnomAD 0.02%). This sequence change replaces proline, which is neutral and non-polar, with leucine, which is neutral and non-polar, at codon 22 of the PIGP protein (p.Pro22Leu).

NM_153682.3(PIGP):c.-8C>T

Gene: PIGP (phosphatidylinositol glycan anchor biosynthesis class P; minus strand). Cytogenetic location: 21q22.13.
Variant type: single nucleotide variant.
Coding change: c.-8C>T on transcript NM_153682.3 (MANE Select); 8 bases upstream of the start codon, C replaced by T.
Molecular consequence: 5 prime UTR variant. On other transcripts: missense variant (1).
Genome position (GRCh38, 1-based): chr21:37,072,523, G>A on the plus strand (C>T on the coding strand, the complement: PIGP is on the minus strand). VCF-style: chr21-37072523-G-A. GRCh37 (hg19) VCF-style: chr21-38444823-G-A.
Other names: c.-8C>T (NM_001320480.2); c.-252C>T (NM_016430.4); c.65C>T, p.Pro22Leu (NM_153681.2); short protein forms P22L.
Identifiers: ClinVar variation 1896467 (VCV001896467.4), dbSNP rs779927383, ClinGen allele CA10021186.